The following is an entry in ClinVar:

NM_020928.2(ZSWIM6):c.404G>A (p.Gly135Asp)

Gene: ZSWIM6 (zinc finger SWIM-type containing 6; plus strand). Cytogenetic location: 5q12.1.
Variant type: single nucleotide variant.
Coding change: c.404G>A on transcript NM_020928.2 (MANE Select); coding-DNA position 404, G replaced by A.
Protein change: p.Gly135Asp; replaces glycine 135 with aspartic acid.
Molecular consequence: missense variant.
Genome position (GRCh38, 1-based): chr5:61,332,676, G>A. VCF-style: chr5-61332676-G-A. GRCh37 (hg19) VCF-style: chr5-60628503-G-A.
Other names: short protein forms G135D.
Identifiers: ClinVar variation 1409695 (VCV001409695.8), dbSNP rs2112012904, ClinGen allele CA359940644.

ClinVar aggregate classification (germline): Uncertain significance (1 of 4 stars; one submission).

Submission:

Labcorp Genetics (formerly Invitae), Labcorp
Classification: Uncertain significance. Last evaluated: 2021-02-16. Review status: criteria provided, single submitter. Criteria: Invitae Variant Classification Sherloc (09022015). Collection method: clinical testing. Allele origin: germline.
Comment: The frequency data for this variant in the population databases is considered unreliable, as metrics indicate insufficient coverage at this position in the ExAC database. This sequence change replaces glycine with aspartic acid at codon 135 of the ZSWIM6 protein (p.Gly135Asp). The glycine residue is weakly conserved and there is a moderate physicochemical difference between glycine and aspartic acid. This variant has not been reported in the literature in individuals with ZSWIM6-related conditions. Algorithms developed to predict the effect of missense changes on protein structure and function are either unavailable or do not agree on the potential impact of this missense change (SIFT: "Tolerated"; PolyPhen-2: "Not Available"; Align-GVGD: "Class C0"). In summary, the available evidence is currently insufficient to determine the role of this variant in disease. Therefore, it has been classified as a Variant of Uncertain Significance.